The following is an entry in ClinVar:

ClinVar aggregate classification (germline): Uncertain significance (1 of 4 stars; one submission).

Conditions:
RASopathy. Also called: rasopathies; Noonan spectrum disorder. Identifiers: Orphanet 536391, MedGen C5555857, MONDO:0021060.

Submission:

Labcorp Genetics (formerly Invitae), Labcorp
Classification: Uncertain significance for RASopathy. Last evaluated: 2025-03-21. Review status: criteria provided, single submitter. Criteria: Invitae Variant Classification Sherloc (09022015). Collection method: clinical testing. Allele origin: germline.
Comment: This sequence change falls in intron 4 of the NRAS gene. It does not directly change the encoded amino acid sequence of the NRAS protein. This variant is not present in population databases (gnomAD no frequency). This variant has not been reported in the literature in individuals affected with NRAS-related conditions. Experimental studies and prediction algorithms are not available or were not evaluated, and the effect of this variant on mRNA splicing is currently unknown. In summary, the available evidence is currently insufficient to determine the role of this variant in disease. Therefore, it has been classified as a Variant of Uncertain Significance.

NM_002524.5(NRAS):c.423_450+41dup

Gene: NRAS (NRAS proto-oncogene, GTPase; minus strand). Cytogenetic location: 1p13.2.
Variant type: Duplication.
Coding change: c.423_450+41dup on transcript NM_002524.5 (MANE Select); coding-DNA position 423 through 41 bases into the intron after coding-DNA position 450, 69 bases duplicated.
Molecular consequence: splice donor variant.
Genome position (GRCh38, 1-based): chr1:114,709,528-114,709,596, 69 bases duplicated. GRCh37 (hg19): chr1:115,252,149-115,252,217.
Identifiers: ClinVar variation 4811173 (VCV004811173.1).